The following is an entry in ClinVar:

NM_001492.6(GDF1):c.187T>C (p.Trp63Arg)

Genes: CERS1 (ceramide synthase 1; minus strand), GDF1 (growth differentiation factor 1; minus strand). Cytogenetic location: 19p13.11.
Variant type: single nucleotide variant.
Coding change: c.187T>C on transcript NM_001492.6 (MANE Select); coding-DNA position 187, T replaced by C.
Protein change: p.Trp63Arg; replaces tryptophan 63 with arginine.
Molecular consequence: missense variant. On other transcripts: 3 prime UTR variant (2).
Genome position (GRCh38, 1-based): chr19:18,870,121, A>G on the plus strand (T>C on the coding strand, the complement: GDF1 is on the minus strand). VCF-style: chr19-18870121-A-G. GRCh37 (hg19) VCF-style: chr19-18980930-A-G.
Other names: c.*456T>C (NM_001387440.1, NM_021267.5); c.187T>C, p.Trp63Arg (NM_001387438.1); short protein forms W63R.
Identifiers: ClinVar variation 3370235 (VCV003370235.1).

ClinVar aggregate classification (germline): Uncertain significance (1 of 4 stars; one submission).

Submission:

GeneDx
Classification: Uncertain significance. Last evaluated: 2023-12-21. Review status: criteria provided, single submitter. Criteria: GeneDx Variant Classification Process June 2021. Collection method: clinical testing. Allele origin: germline. Affected: yes.
Comment: Not observed at significant frequency in large population cohorts (gnomAD); In silico analysis supports that this missense variant has a deleterious effect on protein structure/function; Has not been previously published as pathogenic or benign to our knowledge